The following is an entry in ClinVar:

NM_000016.6(ACADM):c.1073A>T (p.Lys358Met)

Gene: ACADM (acyl-CoA dehydrogenase medium chain; plus strand). Cytogenetic location: 1p31.1.
Variant type: single nucleotide variant.
Coding change: c.1073A>T on transcript NM_000016.6 (MANE Select); coding-DNA position 1073, A replaced by T.
Protein change: p.Lys358Met; replaces lysine 358 with methionine.
Molecular consequence: missense variant.
Genome position (GRCh38, 1-based): chr1:75,761,249, A>T. VCF-style: chr1-75761249-A-T. GRCh37 (hg19) VCF-style: chr1-76226934-A-T.
Other names: c.1085A>T, p.Lys362Met (NM_001127328.3); c.965A>T, p.Lys322Met (NM_001286042.2); c.1172A>T, p.Lys391Met (NM_001286043.2); c.506A>T, p.Lys169Met (NM_001286044.2); c.1073A>T (NM_000016.5); short protein forms K358M, K169M, K362M, K391M, K322M.
Identifiers: ClinVar variation 553696 (VCV000553696.4), dbSNP rs988752772, ClinGen allele CA24609250.

ClinVar aggregate classification (germline): Likely pathogenic. Review status: criteria provided, multiple submitters, no conflicts (2 of 4 stars). 3 submissions from 3 submitters: Likely pathogenic (2). 1 of the submissions does not count toward it. Last evaluated 2025-09-17.

Conditions:
Medium-chain acyl-coenzyme A dehydrogenase deficiency (ACADMD). Also called: ACADM DEFICIENCY; CARNITINE DEFICIENCY SECONDARY TO MEDIUM-CHAIN ACYL-CoA DEHYDROGENASE DEFICIENCY; MCADH DEFICIENCY; MCADD; Medium chain acyl-CoA dehydrogenase deficiency; MCAD Deficiency. Identifiers: Orphanet 42, MedGen C0220710, MONDO:0008721, OMIM 201450.

Allele frequency attached by ClinVar (database versions not stated): gnomAD 0.00001; gnomAD exomes 0.00001; TOPMed 0.00001.
gnomAD v4.1: 9 of 1,614,086 alleles (0.00056%); highest among the groups gnomAD compares: Non-Finnish European, 0.00076%; no homozygotes.

Submissions (3):

Labcorp Genetics (formerly Invitae), Labcorp
Classification: Likely pathogenic for Medium-chain acyl-coenzyme A dehydrogenase deficiency. Last evaluated: 2025-09-17. Review status: criteria provided, single submitter. Criteria: Invitae Variant Classification Sherloc (09022015). Collection method: clinical testing. Allele origin: germline.
Comment: This sequence change replaces lysine, which is basic and polar, with methionine, which is neutral and non-polar, at codon 358 of the ACADM protein (p.Lys358Met). This variant is not present in population databases (gnomAD no frequency). This missense change has been observed in individual(s) with clinical features of medium-chain acyl-coenzyme A dehydrogenase deficiency (PMID: 21083904; internal data). In at least one individual the data is consistent with being in trans (on the opposite chromosome) from a pathogenic variant. ClinVar contains an entry for this variant (Variation ID: 553696). Invitae Evidence Modeling of protein sequence and biophysical properties (such as structural, functional, and spatial information, amino acid conservation, physicochemical variation, residue mobility, and thermodynamic stability) indicates that this missense variant is expected to disrupt ACADM protein function with a positive predictive value of 80%. In summary, the currently available evidence indicates that the variant is pathogenic, but additional data are needed to prove that conclusively. Therefore, this variant has been classified as Likely Pathogenic.

Natera, Inc.
Classification: Likely pathogenic for Medium Chain Acyl-CoA Dehydrogenase Deficiency. Last evaluated: 2025-04-15. Review status: criteria provided, single submitter. Criteria: Natera Variant Classification Schema (03/2026). Collection method: clinical testing. Allele origin: germline.
Comment: The c.1073A>T variant in ACADM is a missense variant predicted to cause substitution of lysine to methionine at amino acid 358. This variant is rare in the general population with a frequency below the threshold expected for the associated phenotype(s). This variant has been observed in one or more individuals affected with the associated recessive disease, as either homozygous or compound heterozygous with a second variant (PMID: 34437764, 21083904). This variant has been identified in one or more affected individual with a phenotype highly consistent with the associated gene (PMID: 34437764). Computational prediction algorithms indicate this variant is likely to affect gene or protein function. Given the available evidence, this variant is classified as Likely Pathogenic.

Counsyl
Classification: Uncertain significance for Medium-chain acyl-coenzyme A dehydrogenase deficiency. Last evaluated: 2017-09-12. Review status: no assertion criteria provided. Collection method: clinical testing. Allele origin: unknown. Not counted in ClinVar's aggregate classification.

Literature cited by the submitters: PubMed 21083904 (cited by 3 submitters); PubMed 34437764 (cited by Natera, Inc.).